The following is an entry in ClinVar:

NM_144566.3(ZNF700):c.1740A>G (p.Arg580=)

Genes: ZNF69 (zinc finger protein 69; plus strand), ZNF700 (zinc finger protein 700; plus strand). Cytogenetic location: 19p13.2.
Variant type: single nucleotide variant.
Coding change: c.1740A>G on transcript NM_144566.3 (MANE Select); coding-DNA position 1740, A replaced by G.
Protein change: p.Arg580=; no amino-acid change (arginine 580 retained).
Molecular consequence: synonymous variant.
Genome position (GRCh38, 1-based): chr19:11,949,764, A>G. VCF-style: chr19-11949764-A-G. GRCh37 (hg19) VCF-style: chr19-12060579-A-G.
Other names: c.1749A>G, p.Arg583= (NM_001271848.2).
Identifiers: ClinVar variation 5038826 (VCV005038826.1).
Genomic context (GRCh38, chr19:11,949,764, plus strand): 5'-AGAGAAACCCTATGAGTGTAAGCAATGTGGGAAAGCCTTCAGATCTGCCTCACACCTTCG[A>G]ATGCATGAAAGGACTCACACTGGAGAGAAACCCTATGAGTGTAAGCAATGTGGGAAAGCC-3'
Protein context (NP_653167.1, residues 570-590): GKAFRSASHL[Arg580=]MHERTHTGEK

ClinVar aggregate classification (germline): Likely benign (1 of 4 stars; one submission).

Submission:

CeGaT Center for Human Genetics Tuebingen
Classification: Likely benign. Last evaluated: 2026-08-01. Review status: criteria provided, single submitter. Criteria: CeGaT Center For Human Genetics Tuebingen Variant Classification Criteria Version 2. Collection method: clinical testing. Allele origin: germline. Affected: yes. Observed: 1 variant allele.
Comment: ZNF700: BP4, BP7